The following is an entry in ClinVar:

ClinVar aggregate classification (germline): Uncertain significance (1 of 4 stars; one submission).

Allele frequency attached by ClinVar (database versions not stated): gnomAD exomes below 0.00001.
gnomAD v4.1: 2 of 1,603,744 alleles (0.00012%); highest among the groups gnomAD compares: Non-Finnish European, 0.00017%; no homozygotes.

Submission:

Labcorp Genetics (formerly Invitae), Labcorp
Classification: Uncertain significance. Last evaluated: 2023-11-29. Review status: criteria provided, single submitter. Criteria: Invitae Variant Classification Sherloc (09022015). Collection method: clinical testing. Allele origin: germline.
Comment: This sequence change replaces glycine, which is neutral and non-polar, with aspartic acid, which is acidic and polar, at codon 92 of the HMCN1 protein (p.Gly92Asp). This variant is not present in population databases (gnomAD no frequency). This variant has not been reported in the literature in individuals affected with HMCN1-related conditions. An algorithm developed to predict the effect of missense changes on protein structure and function (PolyPhen-2) suggests that this variant is likely to be disruptive. In summary, the available evidence is currently insufficient to determine the role of this variant in disease. Therefore, it has been classified as a Variant of Uncertain Significance.

NM_031935.3(HMCN1):c.275G>A (p.Gly92Asp)

Gene: HMCN1 (hemicentin 1; plus strand). Cytogenetic location: 1q31.1.
Variant type: single nucleotide variant.
Coding change: c.275G>A on transcript NM_031935.3 (MANE Select); coding-DNA position 275, G replaced by A.
Protein change: p.Gly92Asp; replaces glycine 92 with aspartic acid.
Molecular consequence: missense variant.
Genome position (GRCh38, 1-based): chr1:185,846,032, G>A. VCF-style: chr1-185846032-G-A. GRCh37 (hg19) VCF-style: chr1-185815164-G-A.
Other names: short protein forms G92D.
Identifiers: ClinVar variation 2699730 (VCV002699730.3), dbSNP rs2526770619, ClinGen allele CA344058481.